The following is an entry in ClinVar:

ClinVar aggregate classification (germline): Uncertain significance. Review status: criteria provided, multiple submitters, no conflicts (2 of 4 stars). 2 submissions from 2 submitters: Uncertain significance (2). Last evaluated 2024-04-22.

Conditions:
Inborn genetic diseases. Identifiers: MedGen C0950123, MeSH D030342.

Allele frequency attached by ClinVar (database versions not stated): gnomAD 0.00002; TOPMed 0.00002; ExAC 0.00003; gnomAD exomes 0.00003.
gnomAD v4.1: 39 of 1,612,124 alleles (0.0024%); highest among the groups gnomAD compares: Non-Finnish European, 0.0033%; no homozygotes.

Submissions (3):

GeneDx
Classification: Uncertain significance. Last evaluated: 2024-04-22. Review status: criteria provided, single submitter. Criteria: GeneDx Variant Classification Process June 2021. Collection method: clinical testing. Allele origin: germline. Affected: yes.
Comment: In silico analysis indicates that this missense variant does not alter protein structure/function; Has not been previously published as pathogenic or benign to our knowledge; Variants in candidate genes are classified as variants of uncertain significance in accordance with ACMG guidelines (PMID: 25741868)

Ambry Genetics
Classification: Uncertain significance for Inborn genetic diseases. Last evaluated: 2023-05-31. Review status: criteria provided, single submitter. Criteria: Ambry Variant Classification Scheme 2023. Collection method: clinical testing. Allele origin: germline.

Dr. Peter K. Rogan Lab, Western University
No classification provided (evidence only). Condition: Adrenocortical carcinoma, hereditary. Review status: no classification provided. Collection method: in vitro. Allele origin: not applicable. Functional consequence: retained intron. Not counted in ClinVar's aggregate classification.

NM_001261826.3(AP3D1):c.3194A>G (p.Gln1065Arg)

Gene: AP3D1 (adaptor related protein complex 3 subunit delta 1; minus strand). Cytogenetic location: 19p13.3.
Variant type: single nucleotide variant.
Coding change: c.3194A>G on transcript NM_001261826.3 (MANE Select); coding-DNA position 3194, A replaced by G.
Protein change: p.Gln1065Arg; replaces glutamine 1065 with arginine.
Molecular consequence: missense variant.
Genome position (GRCh38, 1-based): chr19:2,110,206, T>C on the plus strand (A>G on the coding strand, the complement: AP3D1 is on the minus strand). VCF-style: chr19-2110206-T-C. GRCh37 (hg19) VCF-style: chr19-2110205-T-C.
Other names: NC_000019.9:g.2110205T>C; c.3194A>G (NM_001261826.1); c.3158A>G, p.Gln1053Arg (NM_001374799.1); c.3008A>G, p.Gln1003Arg (NM_003938.8); short protein forms Q1003R, Q1065R, Q1053R.
Identifiers: ClinVar variation 2554505 (VCV002554505.4), dbSNP rs750640235, ClinGen allele CA9058513.